The following is an entry in ClinVar:

GRCh37/hg19 22q11.21(chr22:18916843-21800471)x1

Genes: GGT2 (gamma-glutamyltransferase 2; minus strand), GGTLC3 (gamma-glutamyltransferase light chain family member 3; minus strand), GNB1L (G protein subunit beta 1 like; minus strand), GP1BB (glycoprotein Ib platelet subunit beta; plus strand), TRMT2A (tRNA methyltransferase 2 homolog A; minus strand) and 44 more. Cytogenetic location: 22q11.21.
Variant type: copy number loss.
Change: copy number 1 (one copy instead of two) of chr22:18,916,843-21,800,471 (2.88 Mb, GRCh37 coordinates, 1-based), cytogenetic band 22q11.21.
Identifiers: ClinVar variation 1807726 (VCV001807726.2).

ClinVar aggregate classification (germline): Pathogenic (1 of 4 stars; one submission).

Submission:

Quest Diagnostics Nichols Institute San Juan Capistrano
Classification: Pathogenic. Last evaluated: 2022-10-04. Review status: criteria provided, single submitter. Criteria: ACMG/ClinGen CNV Guidelines, 2019. Collection method: clinical testing. Allele origin: unknown.
Comment: This copy number loss is associated with the proximal (LCR22 A-D) 22q11.2 deletion syndrome, a.k.a. Velocardiofacial syndrome (VCFS) or DiGeorge syndrome (DGS) (OMIM 192430; OMIM 188400). Haploinsufficiency of the TBX1 gene in particular is responsible for most of the clinical features. See GeneReviews for additional information and references.